The following is an entry in ClinVar:

NM_000199.5(SGSH):c.89C>T (p.Ala30Val)

Gene: SGSH (N-sulfoglucosamine sulfohydrolase; minus strand). Cytogenetic location: 17q25.3.
Variant type: single nucleotide variant.
Coding change: c.89C>T on transcript NM_000199.5 (MANE Select); coding-DNA position 89, C replaced by T.
Protein change: p.Ala30Val; replaces alanine 30 with valine.
Molecular consequence: missense variant. On other transcripts: non-coding transcript variant (1).
Genome position (GRCh38, 1-based): chr17:80,217,192, G>A on the plus strand (C>T on the coding strand, the complement: SGSH is on the minus strand). VCF-style: chr17-80217192-G-A. GRCh37 (hg19) VCF-style: chr17-78190991-G-A.
Other names: c.89C>T, p.Ala30Val (NM_001352921.3, NM_001352922.2); c.89C>T (NM_000199.3); short protein forms A30V.
Identifiers: ClinVar variation 1476456 (VCV001476456.6), dbSNP rs767227727, ClinGen allele CA8818174.

ClinVar aggregate classification (germline): Uncertain significance. Review status: criteria provided, multiple submitters, no conflicts (2 of 4 stars). 3 submissions from 3 submitters: Uncertain significance (3). Last evaluated 2025-05-12.

Conditions:
SGSH-related disorder. Also called: SGSH-related condition.
Mucopolysaccharidosis, MPS-III-A (MPS3A). Also called: HEPARAN SULFATE SULFATASE DEFICIENCY; SANFILIPPO SYNDROME A; SULFAMIDASE DEFICIENCY; MPS III A; MPS IIIA (Sanfilippo Syndrome Type A); Mucopolysaccharidosis type IIIA (Sanfilippo A). Identifiers: Orphanet 581, Orphanet 79269, MedGen C0086647, MONDO:0009655, OMIM 252900.

Allele frequency attached by ClinVar (database versions not stated): ExAC 0.00001; gnomAD 0.00004 and 0.00003; TOPMed 0.00002.
gnomAD v4.1: 43 of 1,597,268 alleles (0.0027%); highest among the groups gnomAD compares: South Asian, 0.009%; no homozygotes.

Submissions (3):

PreventionGenetics, part of Exact Sciences
Classification: Uncertain significance for SGSH-related condition. Last evaluated: 2025-05-12. Review status: criteria provided, single submitter. Criteria: ACMG Guidelines, 2015. Collection method: clinical testing. Allele origin: germline.
Comment: The SGSH c.89C>T variant is predicted to result in the amino acid substitution p.Ala30Val. To our knowledge, this variant has not been reported in the literature. This variant is reported in 0.014% of alleles in individuals of South Asian descent in gnomAD. At this time, the clinical significance of this variant is uncertain due to the absence of conclusive functional and genetic evidence.

Labcorp Genetics (formerly Invitae), Labcorp
Classification: Uncertain significance for Mucopolysaccharidosis, MPS-III-A. Last evaluated: 2024-10-30. Review status: criteria provided, single submitter. Criteria: Invitae Variant Classification Sherloc (09022015). Collection method: clinical testing. Allele origin: germline.
Comment: This sequence change replaces alanine, which is neutral and non-polar, with valine, which is neutral and non-polar, at codon 30 of the SGSH protein (p.Ala30Val). The frequency data for this variant in the population databases is considered unreliable, as metrics indicate poor data quality at this position in the gnomAD database. This variant has not been reported in the literature in individuals affected with SGSH-related conditions. ClinVar contains an entry for this variant (Variation ID: 1476456). Invitae Evidence Modeling of protein sequence and biophysical properties (such as structural, functional, and spatial information, amino acid conservation, physicochemical variation, residue mobility, and thermodynamic stability) has been performed for this missense variant. However, the output from this modeling did not meet the statistical confidence thresholds required to predict the impact of this variant on SGSH protein function. In summary, the available evidence is currently insufficient to determine the role of this variant in disease. Therefore, it has been classified as a Variant of Uncertain Significance.

Blueprint Genetics
Classification: Uncertain significance. Last evaluated: 2023-03-30. Review status: criteria provided, single submitter. Criteria: ACMG Guidelines, 2015. Collection method: clinical testing. Allele origin: germline.